The following is an entry in ClinVar:

ClinVar aggregate classification (germline): Uncertain significance (1 of 4 stars; one submission).

Conditions:
TJP2-related disorder. Also called: TJP2-related condition.

Submission:

PreventionGenetics, part of Exact Sciences
Classification: Uncertain significance for TJP2-related condition. Last evaluated: 2026-01-26. Review status: criteria provided, single submitter. Criteria: ACMG Guidelines, 2015. Collection method: clinical testing. Allele origin: germline.
Comment: The TJP2 c.759_770del12 variant is predicted to result in an in-frame deletion (p.His254_Tyr257del). To our knowledge, this variant has not been reported in the literature or in a large population database (gnomAD), indicating this variant is rare. At this time, the clinical significance of this variant is uncertain due to the absence of conclusive functional and genetic evidence.

NM_004817.4(TJP2):c.759_770del (p.His254_Tyr257del)

Gene: TJP2 (tight junction protein 2; plus strand). Cytogenetic location: 9q21.11.
Variant type: Deletion.
Coding change: c.759_770del on transcript NM_004817.4 (MANE Select); coding-DNA positions 759 to 770, 12 bases deleted (TCACCGGGCCTA).
Protein change: p.His254_Tyr257del.
Molecular consequence: inframe deletion.
Genome position (GRCh38, 1-based): chr9:69,221,303-69,221,314, TCACCGGGCCTA deleted; deleting any 12 consecutive bases within chr9:69,221,298-69,221,314 gives the same sequence; the c. name uses the placement nearest the transcript's 3' end. VCF-style (leftmost placement, unchanged base first): chr9-69221297-AGCCTATCACCGG-A. GRCh37 (hg19) VCF-style: chr9-71836213-AGCCTATCACCGG-A.
Other names: c.690_701del, p.His231_Tyr234del (NM_001170414.2, NM_001369870.1, NM_001369871.1); c.771_782del, p.His258_Tyr261del (NM_001170415.1, NM_001369874.1, NM_001369875.1); c.852_863del, p.His285_Tyr288del (NM_001170416.2); c.759_770del, p.His254_Tyr257del (NM_001369872.1, NM_001369873.1, NM_201629.3).
Identifiers: ClinVar variation 4978860 (VCV004978860.1).